The following is an entry in ClinVar:

ClinVar aggregate classification (germline): Benign/Likely benign. Review status: criteria provided, multiple submitters, no conflicts (2 of 4 stars). 3 submissions from 3 submitters: Benign (1); Likely benign (2). Last evaluated 2025-12-13.

Conditions:
Renal cell carcinoma. Identifiers: Orphanet 217071, MedGen C0007134, MeSH D002292, MONDO:0005086, HP:0005584.
Hereditary cancer-predisposing syndrome. Also called: Neoplastic Syndromes, Hereditary; Tumor predisposition; Hereditary Cancer Syndrome; Hereditary neoplastic syndrome. Identifiers: Orphanet 140162, MedGen C0027672, MeSH D009386, MONDO:0015356.
Papillary renal cell carcinoma type 1 (RCCP1). Also called: RENAL CELL CARCINOMA, PAPILLARY, 1, SOMATIC; Renal adenocarcinoma; Renal cell carcinoma 1; Renal cell carcinoma, somatic. Identifiers: Orphanet 47044, MedGen C1336839, OMIM 605074, HP:0011797.

Allele frequency attached by ClinVar (database versions not stated): gnomAD exomes 0.00001.
gnomAD v4.1: 8 of 1,614,166 alleles (0.0005%); highest among the groups gnomAD compares: Non-Finnish European, 0.00068%; no homozygotes.

Submissions (3):

Labcorp Genetics (formerly Invitae), Labcorp
Classification: Likely benign for Renal cell carcinoma. Last evaluated: 2025-12-13. Review status: criteria provided, single submitter. Criteria: Invitae Variant Classification Sherloc (09022015). Collection method: clinical testing. Allele origin: germline.

Myriad Genetics, Inc.
Classification: Benign for Papillary renal cell carcinoma type 1. Last evaluated: 2024-11-13. Review status: criteria provided, single submitter. Criteria: Myriad Autosomal Dominant, Autosomal Recessive and X-Linked Classification Criteria (2023). Collection method: clinical testing. Allele origin: unknown.
Comment: This variant is considered benign. This variant is a silent/synonymous amino acid change and it is not expected to impact splicing.

Ambry Genetics
Classification: Likely benign for Hereditary cancer-predisposing syndrome. Last evaluated: 2020-09-01. Review status: criteria provided, single submitter. Criteria: Ambry Variant Classification Scheme 2023. Collection method: clinical testing. Allele origin: germline.

NM_000245.4(MET):c.3216G>A (p.Gly1072=)

Gene: MET (MET proto-oncogene, receptor tyrosine kinase; plus strand). Cytogenetic location: 7q31.2.
Variant type: single nucleotide variant.
Coding change: c.3216G>A on transcript NM_000245.4 (MANE Select); coding-DNA position 3216, G replaced by A.
Protein change: p.Gly1072=; no amino-acid change (glycine 1072 retained).
Molecular consequence: synonymous variant.
Genome position (GRCh38, 1-based): chr7:116,775,068, G>A. VCF-style: chr7-116775068-G-A. GRCh37 (hg19) VCF-style: chr7-116415122-G-A.
Other names: c.3270G>A, p.Gly1090= (NM_001127500.3); c.1926G>A, p.Gly642= (NM_001324402.2).
Identifiers: ClinVar variation 1729625 (VCV001729625.5), dbSNP rs2117031874, ClinGen allele CA457218458.